The following is an entry in ClinVar:

NM_000069.3(CACNA1S):c.2928G>A (p.Lys976=)

Gene: CACNA1S (calcium voltage-gated channel subunit alpha1 S; minus strand). Cytogenetic location: 1q32.1.
Variant type: single nucleotide variant.
Coding change: c.2928G>A on transcript NM_000069.3 (MANE Select); coding-DNA position 2928, G replaced by A.
Protein change: p.Lys976=; no amino-acid change (lysine 976 retained).
Molecular consequence: synonymous variant.
Genome position (GRCh38, 1-based): chr1:201,062,069, C>T on the plus strand (G>A on the coding strand, the complement: CACNA1S is on the minus strand). VCF-style: chr1-201062069-C-T. GRCh37 (hg19) VCF-style: chr1-201031197-C-T.
Identifiers: ClinVar variation 1161001 (VCV001161001.10), dbSNP rs759359831, ClinGen allele CA079426.

ClinVar aggregate classification (germline): Conflicting classifications of pathogenicity. Review status: criteria provided, conflicting classifications (1 of 4 stars). 2 submissions from 2 submitters: Uncertain significance (1); Likely benign (1). Last evaluated 2025-11-06.

Conditions:
Hypokalemic periodic paralysis, type 1. Also called: Hypokalemic Periodic Paralysis Type 1 (AD); HypoPP. Identifiers: Orphanet 681, MedGen C3714580, MONDO:0042979, OMIM 170400.
Malignant hyperthermia, susceptibility to, 5 (MHS5). Also called: CACNA1S-Related Malignant Hyperthermia Susceptibility. Identifiers: Orphanet 423, MedGen C1866077, MONDO:0011163, OMIM 601887.

Allele frequency attached by ClinVar (database versions not stated): gnomAD exomes 0.00001 and 0.00008; TOPMed 0.00002; gnomAD 0.00003; ExAC 0.00009.
gnomAD v4.1: 15 of 1,613,918 alleles (0.00093%); highest among the groups gnomAD compares: East Asian, 0.031%; no homozygotes.

Submissions (2):

Labcorp Genetics (formerly Invitae), Labcorp
Classification: Likely benign for Hypokalemic periodic paralysis, type 1; Malignant hyperthermia, susceptibility to, 5. Last evaluated: 2025-11-06. Review status: criteria provided, single submitter. Criteria: Invitae Variant Classification Sherloc (09022015). Collection method: clinical testing. Allele origin: germline.

All of Us Research Program, National Institutes of Health
Classification: Uncertain significance for Malignant hyperthermia, susceptibility to, 5. Last evaluated: 2023-07-19. Review status: criteria provided, single submitter. Criteria: ACMG Guidelines, 2015. Collection method: clinical testing. Allele origin: germline. Inheritance: Autosomal dominant inheritance. Observed: 1 variant allele, 1 heterozygote.
Comment: This variant is located in the CACNA1S protein. To our knowledge, functional studies have not been reported for this variant. This variant has not been reported in individuals affected with CACNA1S-related disorders in the literature. This variant has been identified in 24/281838 chromosomes in the general population by the Genome Aggregation Database (gnomAD). The available evidence is insufficient to determine the role of this variant in disease conclusively. Therefore, this variant is classified as a Variant of Uncertain Significance.

This study involves interpretation of variants in research participants for the purpose of population health screening. Participant phenotype was not available at the time of variant classification. Additional details can be found in publication PMID: 35346344, PMCID: PMC8962531